The following is an entry in ClinVar:

NM_001321571.2(CAMK2D):c.71C>A (p.Ala24Glu)

Gene: CAMK2D (calcium/calmodulin dependent protein kinase II delta; minus strand). Cytogenetic location: 4q26.
Variant type: single nucleotide variant.
Coding change: c.71C>A on transcript NM_001321571.2 (MANE Select); coding-DNA position 71, C replaced by A.
Protein change: p.Ala24Glu; replaces alanine 24 with glutamic acid.
Molecular consequence: missense variant. On other transcripts: 5 prime UTR variant (10).
Genome position (GRCh38, 1-based): chr4:113,759,409, G>T on the plus strand (C>A on the coding strand, the complement: CAMK2D is on the minus strand). VCF-style: chr4-113759409-G-T. GRCh37 (hg19) VCF-style: chr4-114680565-G-T.
Other names: c.71C>A, p.Ala24Glu (NM_172115.3, NM_172127.3, NM_172128.3 and 34 more transcripts); c.-445C>A (NM_001321578.2); c.-148C>A (NM_001321581.2, NM_001399859.1, NM_001399860.1 and 2 more transcripts); c.-612C>A (NM_001321585.2, NM_001399865.1); c.-390C>A (NM_001399863.1, NM_001399864.1); short protein forms A24E.
Identifiers: ClinVar variation 4823823 (VCV004823823.4).

ClinVar aggregate classification (germline): Uncertain significance (1 of 4 stars; one submission).

Submission:

CeGaT Center for Human Genetics Tuebingen
Classification: Uncertain significance. Last evaluated: 2026-03-01. Review status: criteria provided, single submitter. Criteria: CeGaT Center For Human Genetics Tuebingen Variant Classification Criteria Version 2. Collection method: clinical testing. Allele origin: germline. Affected: yes. Observed: 1 variant allele.
Comment: CAMK2D: PM2